The following is an entry in ClinVar:

ClinVar aggregate classification (germline): Uncertain significance (1 of 4 stars; one submission).

Conditions:
Ehlers-Danlos syndrome, type 4 (EDSVASC). Also called: Ehlers-Danlos syndrome vascular type; Ehlers Danlos syndrome, ecchymotic type; Ehlers Danlos syndrome, arterial type; Ehlers Danlos syndrome, Sack-Barabas type; Ehlers-Danlos Syndrome Type IV. Identifiers: Orphanet 286, MedGen C0268338, MONDO:0017314, OMIM 130050.

Submission:

Labcorp Genetics (formerly Invitae), Labcorp
Classification: Uncertain significance for Ehlers-Danlos syndrome, type 4. Last evaluated: 2022-02-21. Review status: criteria provided, single submitter. Criteria: Invitae Variant Classification Sherloc (09022015). Collection method: clinical testing. Allele origin: germline.
Comment: In summary, the available evidence is currently insufficient to determine the role of this variant in disease. Therefore, it has been classified as a Variant of Uncertain Significance. Advanced modeling of protein sequence and biophysical properties (such as structural, functional, and spatial information, amino acid conservation, physicochemical variation, residue mobility, and thermodynamic stability) performed at Invitae indicates that this missense variant is not expected to disrupt COL3A1 protein function. This variant has not been reported in the literature in individuals affected with COL3A1-related conditions. This variant is not present in population databases (gnomAD no frequency). This sequence change replaces phenylalanine, which is neutral and non-polar, with leucine, which is neutral and non-polar, at codon 259 of the COL3A1 protein (p.Phe259Leu).

NM_000090.4(COL3A1):c.777C>G (p.Phe259Leu)

Gene: COL3A1 (collagen type III alpha 1 chain; plus strand). Cytogenetic location: 2q32.2.
Variant type: single nucleotide variant.
Coding change: c.777C>G on transcript NM_000090.4 (MANE Select); coding-DNA position 777, C replaced by G.
Protein change: p.Phe259Leu; replaces phenylalanine 259 with leucine.
Molecular consequence: missense variant.
Genome position (GRCh38, 1-based): chr2:188,990,339, C>G. VCF-style: chr2-188990339-C-G. GRCh37 (hg19) VCF-style: chr2-189855065-C-G.
Other names: short protein forms F259L.
Identifiers: ClinVar variation 2101292 (VCV002101292.4), dbSNP rs2469118656, ClinGen allele CA349849213.